The following is an entry in ClinVar:

ClinVar aggregate classification (germline): Uncertain significance (1 of 4 stars; one submission).

Conditions:
Developmental and epileptic encephalopathy. Identifiers: MedGen C5779964, MONDO:0100620.

gnomAD v4.1: 1 of 1,566,344 alleles (0.000064%); highest among the groups gnomAD compares: Non-Finnish European, 0.000087%; no homozygotes.

Submission:

Labcorp Genetics (formerly Invitae), Labcorp
Classification: Uncertain significance for Early-infantile DEE. Last evaluated: 2022-03-27. Review status: criteria provided, single submitter. Criteria: Invitae Variant Classification Sherloc (09022015). Collection method: clinical testing. Allele origin: germline.
Comment: This sequence change falls in intron 22 of the CACNA2D2 gene. It does not directly change the encoded amino acid sequence of the CACNA2D2 protein. The frequency data for this variant in the population databases is considered unreliable, as metrics indicate poor data quality at this position in the gnomAD database. This variant has not been reported in the literature in individuals affected with CACNA2D2-related conditions. Algorithms developed to predict the effect of sequence changes on RNA splicing suggest that this variant may disrupt the consensus splice site. In summary, the available evidence is currently insufficient to determine the role of this variant in disease. Therefore, it has been classified as a Variant of Uncertain Significance.

NM_006030.4(CACNA2D2):c.1985-14C>A

Gene: CACNA2D2 (calcium voltage-gated channel auxiliary subunit alpha2delta 2; minus strand). Cytogenetic location: 3p21.31.
Variant type: single nucleotide variant.
Coding change: c.1985-14C>A on transcript NM_006030.4 (MANE Select); 14 bases into the intron before coding-DNA position 1985, C replaced by A.
Molecular consequence: intron variant.
Genome position (GRCh38, 1-based): chr3:50,370,394, G>T on the plus strand (C>A on the coding strand, the complement: CACNA2D2 is on the minus strand). VCF-style: chr3-50370394-G-T. GRCh37 (hg19) VCF-style: chr3-50407825-G-T.
Other names: c.1778-14C>A (NM_001291101.1); c.1985-14C>A (NM_001005505.3); c.2006-14C>A (NM_001174051.3).
Identifiers: ClinVar variation 1398692 (VCV001398692.6), dbSNP rs769316124, ClinGen allele CA542848573.